The following is an entry in ClinVar:

NM_031885.5(BBS2):c.1534G>T (p.Val512Leu)

Gene: BBS2 (Bardet-Biedl syndrome 2; minus strand). Cytogenetic location: 16q13.
Variant type: single nucleotide variant.
Coding change: c.1534G>T on transcript NM_031885.5 (MANE Select); coding-DNA position 1534, G replaced by T.
Protein change: p.Val512Leu; replaces valine 512 with leucine.
Molecular consequence: missense variant. On other transcripts: non-coding transcript variant (5).
Genome position (GRCh38, 1-based): chr16:56,498,562, C>A on the plus strand (G>T on the coding strand, the complement: BBS2 is on the minus strand). VCF-style: chr16-56498562-C-A. GRCh37 (hg19) VCF-style: chr16-56532474-C-A.
Other names: c.1534G>T, p.Val512Leu (NM_001377456.1); short protein forms V512L.
Identifiers: ClinVar variation 2141909 (VCV002141909.4), dbSNP rs2543700682, ClinGen allele CA395977185.

ClinVar aggregate classification (germline): Uncertain significance (1 of 4 stars; one submission).

Conditions:
Bardet-Biedl syndrome (BBS). Identifiers: Orphanet 110, MedGen C0752166, MONDO:0015229.

Submission:

Labcorp Genetics (formerly Invitae), Labcorp
Classification: Uncertain significance for Bardet-Biedl syndrome. Last evaluated: 2022-03-29. Review status: criteria provided, single submitter. Criteria: Invitae Variant Classification Sherloc (09022015). Collection method: clinical testing. Allele origin: germline.
Comment: In summary, the available evidence is currently insufficient to determine the role of this variant in disease. Therefore, it has been classified as a Variant of Uncertain Significance. Algorithms developed to predict the effect of missense changes on protein structure and function output the following: SIFT: "Tolerated"; PolyPhen-2: "Benign"; Align-GVGD: "Class C0". The leucine amino acid residue is found in multiple mammalian species, which suggests that this missense change does not adversely affect protein function. This variant has not been reported in the literature in individuals affected with BBS2-related conditions. This variant is not present in population databases (gnomAD no frequency). This sequence change replaces valine, which is neutral and non-polar, with leucine, which is neutral and non-polar, at codon 512 of the BBS2 protein (p.Val512Leu).